The following is an entry in ClinVar:

NM_005876.5(SPEG):c.6694C>A (p.Pro2232Thr)

Genes: ASIC4-AS1 (ASIC4 antisense RNA 1; minus strand), SPEG (striated muscle enriched protein kinase; plus strand). Cytogenetic location: 2q35.
Variant type: single nucleotide variant.
Coding change: c.6694C>A on transcript NM_005876.5 (MANE Select); coding-DNA position 6694, C replaced by A.
Protein change: p.Pro2232Thr; replaces proline 2232 with threonine.
Molecular consequence: missense variant.
Genome position (GRCh38, 1-based): chr2:219,484,157, C>A. VCF-style: chr2-219484157-C-A. GRCh37 (hg19) VCF-style: chr2-220348879-C-A.
Other names: c.6694C>A (NM_005876.4); short protein forms P2232T.
Identifiers: ClinVar variation 286879 (VCV000286879.15), dbSNP rs371302780, ClinGen allele CA2127086.

ClinVar aggregate classification (germline): Conflicting classifications of pathogenicity. Review status: criteria provided, conflicting classifications (1 of 4 stars). 4 submissions from 4 submitters: Uncertain significance (2); Likely benign (1). 1 of the submissions does not count toward it. Last evaluated 2026-01-19.

Conditions:
SPEG-related disorder. Also called: SPEG-related condition.
Inborn genetic diseases. Identifiers: MedGen C0950123, MeSH D030342.

Allele frequency attached by ClinVar (database versions not stated): ESP Exome Variant Server 0.00025; TOPMed 0.00063; gnomAD 0.00077; 1000 Genomes Project 30x 0.00094; 1000 Genomes Project 0.00100.
gnomAD v4.1: 174 of 1,613,718 alleles (0.011%); highest among the groups gnomAD compares: African/African-American, 0.21%; 1 homozygote.

Submissions (4):

Labcorp Genetics (formerly Invitae), Labcorp
Classification: Likely benign. Last evaluated: 2026-01-19. Review status: criteria provided, single submitter. Criteria: Invitae Variant Classification Sherloc (09022015). Collection method: clinical testing. Allele origin: germline.

Ambry Genetics
Classification: Uncertain significance for Inborn genetic diseases. Last evaluated: 2025-10-28. Review status: criteria provided, single submitter. Criteria: Ambry Variant Classification Scheme 2023. Collection method: clinical testing. Allele origin: germline.

Eurofins Ntd Llc (ga)
Classification: Uncertain significance. Last evaluated: 2016-03-16. Review status: criteria provided, single submitter. Criteria: EGL Classification Definitions 2015. Collection method: clinical testing. Allele origin: germline. Observed: 1 variant allele, 1 heterozygote.

PreventionGenetics, part of Exact Sciences
Classification: Likely benign for SPEG-related condition. Last evaluated: 2022-04-06. Review status: no assertion criteria provided. Collection method: clinical testing. Allele origin: germline. Not counted in ClinVar's aggregate classification.
Comment: This variant is classified as likely benign based on ACMG/AMP sequence variant interpretation guidelines (Richards et al. 2015 PMID: 25741868, with internal and published modifications).